The following is an entry in ClinVar:

ClinVar aggregate classification (germline): Benign. Review status: criteria provided, multiple submitters, no conflicts (2 of 4 stars). 3 submissions from 3 submitters: Benign (3). Last evaluated 2026-01-27.

Conditions:
Microcephaly-thin corpus callosum-intellectual disability syndrome (NEDFCF). Also called: NEURODEVELOPMENTAL DISORDER WITH FEEDING DIFFICULTIES, THIN CORPUS CALLOSUM, AND FOOT DEFORMITY; Intellectual developmental disorder, autosomal recessive 40. Identifiers: Orphanet 397951, MedGen C3810080, MONDO:0014273, OMIM 615599.

Allele frequency attached by ClinVar (database versions not stated): 1000 Genomes Project 0.00579; ExAC 0.01640; gnomAD exomes 0.01654 and 0.01956; gnomAD 0.01546 and 0.01612; 1000 Genomes Project 30x 0.00562; TOPMed 0.01463; ESP Exome Variant Server 0.02014.
gnomAD v4.1: 30,982 of 1,614,052 alleles (1.9%); highest among the groups gnomAD compares: Middle Eastern, 2.9%; 387 homozygotes.

Submissions (3):

Labcorp Genetics (formerly Invitae), Labcorp
Classification: Benign. Last evaluated: 2026-01-27. Review status: criteria provided, single submitter. Criteria: Invitae Variant Classification Sherloc (09022015). Collection method: clinical testing. Allele origin: germline.

Molecular Genetics, Royal Melbourne Hospital
Classification: Benign for Microcephaly-thin corpus callosum-intellectual disability syndrome. Last evaluated: 2023-05-04. Review status: criteria provided, single submitter. Criteria: ACMG Guidelines, 2015. Collection method: clinical testing. Allele origin: germline. Affected: no.
Comment: European Non-Finnish population allele frequency is 2.261% (rs61753747, 2998/129026 alleles, 39 homozygotes in gnomAD v2.1). Based on the classification scheme RMH Modified ACMG/AMP Guidelines v1.2.1, this variant is classified as BENIGN.

Breakthrough Genomics
Classification: Benign. Review status: criteria provided, single submitter. Criteria: ACMG Guidelines, 2015. Collection method: not provided. Allele origin: germline. Inheritance: Autosomal recessive inheritance. Affected: yes.

NM_003184.4(TAF2):c.3471G>A (p.Lys1157=)

Gene: TAF2 (TATA-box binding protein associated factor 2; minus strand). Cytogenetic location: 8q24.12.
Variant type: single nucleotide variant.
Coding change: c.3471G>A on transcript NM_003184.4 (MANE Select); coding-DNA position 3471, G replaced by A.
Protein change: p.Lys1157=; no amino-acid change (lysine 1157 retained).
Molecular consequence: synonymous variant.
Genome position (GRCh38, 1-based): chr8:119,732,053, C>T on the plus strand (G>A on the coding strand, the complement: TAF2 is on the minus strand). VCF-style: chr8-119732053-C-T. GRCh37 (hg19) VCF-style: chr8-120744293-C-T.
Identifiers: ClinVar variation 1169029 (VCV001169029.11), dbSNP rs61753747, ClinGen allele CA4856787.